The following is an entry in ClinVar:

NM_033215.5(PPP1R3F):c.631_636dup (p.Gly212_Ala213insThrGly)

Gene: PPP1R3F (protein phosphatase 1 regulatory subunit 3F; plus strand). Cytogenetic location: Xp11.23.
Variant type: Duplication.
Coding change: c.631_636dup on transcript NM_033215.5 (MANE Select); coding-DNA positions 631 to 636, 6 bases duplicated (ACAGGA; older notation c.631_636dupACAGGA).
Protein change: p.Gly212_Ala213insThrGly.
Molecular consequence: inframe insertion. On other transcripts: intron variant (1).
Genome position (GRCh38, 1-based): chrX:49,270,500-49,270,505, ACAGGA duplicated; duplicating any 6 consecutive bases within chrX:49,270,496-49,270,505 gives the same sequence; the c. name uses the placement nearest the transcript's 3' end. VCF-style (leftmost placement, unchanged base first): chrX-49270495-G-GAGGAAC. GRCh37 (hg19) VCF-style: chrX-49126958-G-GAGGAAC.
Other names: c.-32+567_-32+572dup (NM_001184745.2).
Identifiers: ClinVar variation 4823730 (VCV004823730.4).

ClinVar aggregate classification (germline): Uncertain significance (1 of 4 stars; one submission).

Submission:

CeGaT Center for Human Genetics Tuebingen
Classification: Uncertain significance. Last evaluated: 2026-03-01. Review status: criteria provided, single submitter. Criteria: CeGaT Center For Human Genetics Tuebingen Variant Classification Criteria Version 2. Collection method: clinical testing. Allele origin: germline. Affected: yes. Observed: 1 variant allele.
Comment: PPP1R3F: PM2, PM4